The following is an entry in ClinVar:

ClinVar aggregate classification (germline): Uncertain significance (1 of 4 stars; one submission).

Allele frequency attached by ClinVar (database versions not stated): TOPMed below 0.00001; gnomAD 0.00001; gnomAD exomes 0.00001.
gnomAD v4.1: 16 of 1,613,504 alleles (0.00099%); highest among the groups gnomAD compares: Non-Finnish European, 0.0014%; no homozygotes.

Submission:

CeGaT Center for Human Genetics Tuebingen
Classification: Uncertain significance. Last evaluated: 2022-11-01. Review status: criteria provided, single submitter. Criteria: CeGaT Center For Human Genetics Tuebingen Variant Classification Criteria Version 2. Collection method: clinical testing. Allele origin: germline. Affected: yes. Observed: 1 variant allele.
Comment: TTN: PM2

NM_001267550.2(TTN):c.97345C>A (p.Pro32449Thr)

Genes: TTN (titin; minus strand), TTN-AS1 (TTN antisense RNA 1; plus strand). Cytogenetic location: 2q31.2.
Variant type: single nucleotide variant.
Coding change: c.97345C>A on transcript NM_001267550.2 (MANE Select); coding-DNA position 97345, C replaced by A.
Protein change: p.Pro32449Thr; replaces proline 32449 with threonine.
Molecular consequence: missense variant.
Genome position (GRCh38, 1-based): chr2:178,542,411, G>T on the plus strand (C>A on the coding strand, the complement: TTN is on the minus strand). VCF-style: chr2-178542411-G-T. GRCh37 (hg19) VCF-style: chr2-179407138-G-T.
Other names: c.92422C>A, p.Pro30808Thr (NM_001256850.1); c.70150C>A, p.Pro23384Thr (NM_003319.4); c.89641C>A, p.Pro29881Thr (NM_133378.4); c.70525C>A, p.Pro23509Thr (NM_133432.3); c.70726C>A, p.Pro23576Thr (NM_133437.4); short protein forms P23384T, P23509T, P23576T, P29881T, P30808T, P32449T.
Identifiers: ClinVar variation 1879495 (VCV001879495.29), dbSNP rs1248314451, ClinGen allele CA349440288.
Genomic context (GRCh38, chr2:178,542,411, plus strand): 5'-CATTTCCTTCGGTGAGTCTGGTAAACTTAAACGTGGACCTAGTCACTGATTCAGAAACGG[G>T]CAGCCATCCTGGACGATGAGCGTCACGTTGTTCTACCACATAACCACTCAGTGGAGCACC-3'
Protein context (NP_001254479.2, residues 32439-32459): QRDAHRPGWL[Pro32449Thr]VSESVTRSTF